The following is an entry in ClinVar:

NM_000169.3(GLA):c.621dup (p.Met208fs)

Genes: GLA (galactosidase alpha; minus strand), RPL36A-HNRNPH2 (RPL36A-HNRNPH2 readthrough; plus strand). Cytogenetic location: Xq22.1.
Variant type: Duplication.
Coding change: c.621dup on transcript NM_000169.3 (MANE Select); coding-DNA position 621, one base duplicated (T; older notation c.621dupT).
Protein change: p.Met208fs; shifts the reading frame from methionine 208.
Molecular consequence: frameshift variant. On other transcripts: non-coding transcript variant (2), intron variant (2).
Genome position (GRCh38, 1-based): chrX:101,400,684, A duplicated on the plus strand (T on the coding strand, the reverse complement: GLA is on the minus strand). VCF-style (leftmost placement, unchanged base first): chrX-101400683-T-TA. GRCh37 (hg19) VCF-style: chrX-100655671-T-TA.
Other names: c.744dup, p.Met249fs (NM_001406747.1); c.621dup, p.Met208fs (NM_001406748.1); c.300+5227dup (NM_001199973.2); c.177+8862dup (NM_001199974.2); short protein forms M208fs, M249fs.
Identifiers: ClinVar variation 4086985 (VCV004086985.2).

ClinVar aggregate classification (germline): Pathogenic (1 of 4 stars; one submission).

Conditions:
Fabry disease. Also called: ALPHA-GALACTOSIDASE A DEFICIENCY; ANDERSON-FABRY DISEASE; CERAMIDE TRIHEXOSIDASE DEFICIENCY; GLA DEFICIENCY; HEREDITARY DYSTOPIC LIPIDOSIS; Angiokeratoma corporis diffusum. Identifiers: Orphanet 324, MedGen C0002986, MONDO:0010526, OMIM 301500, HP:0001071. Disease mechanism: Fabry disease is due to inactivating mutations in the X-linked GLA gene resulting in deficiency of the enzyme Alpha Galactosidase-A., loss of function.

Submission:

Genomenon, Inc
Classification: Pathogenic for Fabry disease. Last evaluated: 2026-09-08. Review status: criteria provided, single submitter. Criteria: Genomenon Sequence Variant Interpretation Standards - Updated. Collection method: curation. Allele origin: germline. Affected: yes.
Comment: GLA p.Met208TyrfsTer24 (c.621dup) is a frameshift variant that is predicted to introduce a premature termination codon and result in a truncated or absent protein product. This variant has been observed in at least one proband with clinical features consistent with Fabry disease (PMID:36165155;20022777;18023222). It is absent or not present at a significant frequency in gnomAD. In conclusion, we classify GLA p.Met208TyrfsTer24 (c.621dup) as a pathogenic variant.

Literature cited by the submitters: PubMed 36165155; PubMed 20022777; PubMed 18023222.